The following is an entry in ClinVar:

NM_181507.2(HPS5):c.2928G>A (p.Met976Ile)

Gene: HPS5 (HPS5 biogenesis of lysosomal organelles complex 2 subunit 2; minus strand). Cytogenetic location: 11p15.1.
Variant type: single nucleotide variant.
Coding change: c.2928G>A on transcript NM_181507.2 (MANE Select); coding-DNA position 2928, G replaced by A.
Protein change: p.Met976Ile; replaces methionine 976 with isoleucine.
Molecular consequence: missense variant.
Genome position (GRCh38, 1-based): chr11:18,285,369, C>T on the plus strand (G>A on the coding strand, the complement: HPS5 is on the minus strand). VCF-style: chr11-18285369-C-T. GRCh37 (hg19) VCF-style: chr11-18306916-C-T.
Other names: c.2586G>A, p.Met862Ile (NM_007216.4, NM_181508.2); short protein forms M862I, M976I.
Identifiers: ClinVar variation 1444951 (VCV001444951.4), dbSNP rs753396295, ClinGen allele CA5909701.

ClinVar aggregate classification (germline): Uncertain significance. Review status: criteria provided, multiple submitters, no conflicts (2 of 4 stars). 2 submissions from 2 submitters: Uncertain significance (2). Last evaluated 2025-08-14.

Conditions:
Inborn genetic diseases. Identifiers: MedGen C0950123, MeSH D030342.

Allele frequency attached by ClinVar (database versions not stated): gnomAD exomes 0.00002; TOPMed 0.00002; gnomAD 0.00001; ExAC 0.00002.
gnomAD v4.1: 28 of 1,611,608 alleles (0.0017%); highest among the groups gnomAD compares: Admixed American, 0.0067%; no homozygotes.

Submissions (2):

Ambry Genetics
Classification: Uncertain significance for Inborn genetic diseases. Last evaluated: 2025-08-14. Review status: criteria provided, single submitter. Criteria: Ambry Variant Classification Scheme 2023. Collection method: clinical testing. Allele origin: germline.

Labcorp Genetics (formerly Invitae), Labcorp
Classification: Uncertain significance. Last evaluated: 2021-10-20. Review status: criteria provided, single submitter. Criteria: Invitae Variant Classification Sherloc (09022015). Collection method: clinical testing. Allele origin: germline.
Comment: This sequence change replaces methionine with isoleucine at codon 976 of the HPS5 protein (p.Met976Ile). The methionine residue is highly conserved and there is a small physicochemical difference between methionine and isoleucine. This variant is present in population databases (rs753396295, ExAC 0.009%). This variant has not been reported in the literature in individuals affected with HPS5-related conditions. Algorithms developed to predict the effect of missense changes on protein structure and function (SIFT, PolyPhen-2, Align-GVGD) all suggest that this variant is likely to be tolerated. In summary, the available evidence is currently insufficient to determine the role of this variant in disease. Therefore, it has been classified as a Variant of Uncertain Significance.